The following is an entry in ClinVar:

NM_014704.4(CEP104):c.1136A>G (p.Tyr379Cys)

Gene: CEP104 (centrosomal protein 104; minus strand). Cytogenetic location: 1p36.32.
Variant type: single nucleotide variant.
Coding change: c.1136A>G on transcript NM_014704.4 (MANE Select); coding-DNA position 1136, A replaced by G.
Protein change: p.Tyr379Cys; replaces tyrosine 379 with cysteine.
Molecular consequence: missense variant.
Genome position (GRCh38, 1-based): chr1:3,836,676, T>C on the plus strand (A>G on the coding strand, the complement: CEP104 is on the minus strand). VCF-style: chr1-3836676-T-C. GRCh37 (hg19) VCF-style: chr1-3753240-T-C.
Other names: short protein forms Y379C.
Identifiers: ClinVar variation 2732079 (VCV002732079.3), dbSNP rs746725267, ClinGen allele CA551707.
Genomic context (GRCh38, chr1:3,836,676, plus strand): 5'-TCCGGCTCCACCACTGCCTCCCCATAATGCTTACGAATAGCTGGAAGAGGCCGCTCATCG[T>C]AGGGCAGGGACTCTGCCTGCAGTGAGTGAAGGAGAGAGGAAAGTGCTGGGGAGCTCCATA-3'
Protein context (NP_055519.1, residues 369-389): HPKINAESLP[Tyr379Cys]DERPLPAIRK

ClinVar aggregate classification (germline): Uncertain significance (1 of 4 stars; one submission).

Conditions:
Joubert syndrome 25 (JBTS25). Identifiers: Orphanet 475, MedGen C4084842, MONDO:0014770, OMIM 616781.

Allele frequency attached by ClinVar (database versions not stated): TOPMed below 0.00001; gnomAD exomes 0.00001; ExAC 0.00002.

Submission:

Labcorp Genetics (formerly Invitae), Labcorp
Classification: Uncertain significance for Joubert syndrome 25. Last evaluated: 2023-08-24. Review status: criteria provided, single submitter. Criteria: Invitae Variant Classification Sherloc (09022015). Collection method: clinical testing. Allele origin: germline.
Comment: In summary, the available evidence is currently insufficient to determine the role of this variant in disease. Therefore, it has been classified as a Variant of Uncertain Significance. An algorithm developed to predict the effect of missense changes on protein structure and function (PolyPhen-2) suggests that this variant is likely to be disruptive. This variant has not been reported in the literature in individuals affected with CEP104-related conditions. This variant is present in population databases (rs746725267, gnomAD 0.002%). This sequence change replaces tyrosine, which is neutral and polar, with cysteine, which is neutral and slightly polar, at codon 379 of the CEP104 protein (p.Tyr379Cys).